The following is an entry in ClinVar:

ClinVar aggregate classification (germline): Benign/Likely benign. Review status: criteria provided, multiple submitters, no conflicts (2 of 4 stars). 2 submissions from 2 submitters: Benign (1); Likely benign (1). Last evaluated 2025-12-24.

Allele frequency attached by ClinVar (database versions not stated): gnomAD exomes 0.00024 and 0.00065; TOPMed 0.00266; ESP Exome Variant Server 0.00323; ExAC 0.00082; 1000 Genomes Project 0.00200; gnomAD 0.00242 and 0.00265; 1000 Genomes Project 30x 0.00250.
gnomAD v4.1: 744 of 1,614,240 alleles (0.046%); highest among the groups gnomAD compares: African/African-American, 0.84%; 2 homozygotes.

Submissions (2):

Labcorp Genetics (formerly Invitae), Labcorp
Classification: Benign. Last evaluated: 2025-12-24. Review status: criteria provided, single submitter. Criteria: Invitae Variant Classification Sherloc (09022015). Collection method: clinical testing. Allele origin: germline.

CeGaT Center for Human Genetics Tuebingen
Classification: Likely benign. Last evaluated: 2024-08-01. Review status: criteria provided, single submitter. Criteria: CeGaT Center For Human Genetics Tuebingen Variant Classification Criteria Version 2. Collection method: clinical testing. Allele origin: germline. Affected: yes. Observed: 1 variant allele.
Comment: GALNT2: BP4, BP7

NM_004481.5(GALNT2):c.1104G>A (p.Thr368=)

Gene: GALNT2 (polypeptide N-acetylgalactosaminyltransferase 2; plus strand). Cytogenetic location: 1q42.13.
Variant type: single nucleotide variant.
Coding change: c.1104G>A on transcript NM_004481.5 (MANE Select); coding-DNA position 1104, G replaced by A.
Protein change: p.Thr368=; no amino-acid change (threonine 368 retained).
Molecular consequence: synonymous variant.
Genome position (GRCh38, 1-based): chr1:230,255,312, G>A. VCF-style: chr1-230255312-G-A. GRCh37 (hg19) VCF-style: chr1-230391058-G-A.
Other names: c.990G>A, p.Thr330= (NM_001291866.2).
Identifiers: ClinVar variation 722922 (VCV000722922.24), dbSNP rs75919037, ClinGen allele CA1446399.